The following is an entry in ClinVar:

NM_005033.3(EXOSC9):c.265G>A (p.Ala89Thr)

Gene: EXOSC9 (exosome component 9; plus strand). Cytogenetic location: 4q27.
Variant type: single nucleotide variant.
Coding change: c.265G>A on transcript NM_005033.3 (MANE Select); coding-DNA position 265, G replaced by A.
Protein change: p.Ala89Thr; replaces alanine 89 with threonine.
Molecular consequence: missense variant.
Genome position (GRCh38, 1-based): chr4:121,802,777, G>A. VCF-style: chr4-121802777-G-A. GRCh37 (hg19) VCF-style: chr4-122723932-G-A.
Other names: c.265G>A, p.Ala89Thr (NM_001034194.2); short protein forms A89T.
Identifiers: ClinVar variation 1960423 (VCV001960423.5), dbSNP rs2476760830, ClinGen allele CA358042045.
Genomic context (GRCh38, chr4:121,802,777, plus strand): 5'-AATCGGGCAACAGAAGGTATTCTTTTTTTTAACCTTGAACTCTCTCAGATGGCCGCTCCA[G>A]CTTTCGAACCTGGCAGGTATTTAAATCTTTTTCTTAAGTTGCTTTAGTCATAGGAGAACC-3'
Protein context (NP_005024.2, residues 79-99): NLELSQMAAP[Ala89Thr]FEPGRQSDLL

ClinVar aggregate classification (germline): Uncertain significance (1 of 4 stars; one submission).

Submission:

Labcorp Genetics (formerly Invitae), Labcorp
Classification: Uncertain significance. Last evaluated: 2022-08-20. Review status: criteria provided, single submitter. Criteria: Invitae Variant Classification Sherloc (09022015). Collection method: clinical testing. Allele origin: germline.
Comment: This sequence change replaces alanine, which is neutral and non-polar, with threonine, which is neutral and polar, at codon 89 of the EXOSC9 protein (p.Ala89Thr). This variant is not present in population databases (gnomAD no frequency). This variant has not been reported in the literature in individuals affected with EXOSC9-related conditions. Algorithms developed to predict the effect of missense changes on protein structure and function are either unavailable or do not agree on the potential impact of this missense change (SIFT: "Deleterious"; PolyPhen-2: "Benign"; Align-GVGD: "Class C0"). In summary, the available evidence is currently insufficient to determine the role of this variant in disease. Therefore, it has been classified as a Variant of Uncertain Significance.